The following is an entry in ClinVar:

ClinVar aggregate classification (germline): Uncertain significance. Review status: criteria provided, multiple submitters, no conflicts (2 of 4 stars). 2 submissions from 2 submitters: Uncertain significance (2). Last evaluated 2025-06-25.

Conditions:
Inborn genetic diseases. Identifiers: MedGen C0950123, MeSH D030342.

gnomAD v4.1: 9 of 1,208,015 alleles (0.00075%); highest among the groups gnomAD compares: Admixed American, 0.0022%; no homozygotes.

Submissions (2):

Ambry Genetics
Classification: Uncertain significance for Inborn genetic diseases. Last evaluated: 2025-06-25. Review status: criteria provided, single submitter. Criteria: Ambry Variant Classification Scheme 2023. Collection method: clinical testing. Allele origin: germline.

Labcorp Genetics (formerly Invitae), Labcorp
Classification: Uncertain significance. Last evaluated: 2025-01-20. Review status: criteria provided, single submitter. Criteria: Invitae Variant Classification Sherloc (09022015). Collection method: clinical testing. Allele origin: germline.
Comment: This sequence change replaces isoleucine, which is neutral and non-polar, with valine, which is neutral and non-polar, at codon 309 of the POLA1 protein (p.Ile309Val). This variant is not present in population databases (gnomAD no frequency). This variant has not been reported in the literature in individuals affected with POLA1-related conditions. Invitae Evidence Modeling of protein sequence and biophysical properties (such as structural, functional, and spatial information, amino acid conservation, physicochemical variation, residue mobility, and thermodynamic stability) indicates that this missense variant is not expected to disrupt POLA1 protein function with a negative predictive value of 80%. In summary, the available evidence is currently insufficient to determine the role of this variant in disease. Therefore, it has been classified as a Variant of Uncertain Significance.

NM_001330360.2(POLA1):c.943A>G (p.Ile315Val)

Gene: POLA1 (DNA polymerase alpha 1, catalytic subunit; plus strand). Cytogenetic location: Xp22.11.
Variant type: single nucleotide variant.
Coding change: c.943A>G on transcript NM_001330360.2 (MANE Select); coding-DNA position 943, A replaced by G.
Protein change: p.Ile315Val; replaces isoleucine 315 with valine.
Molecular consequence: missense variant. On other transcripts: non-coding transcript variant (2).
Genome position (GRCh38, 1-based): chrX:24,717,614, A>G. VCF-style: chrX-24717614-A-G. GRCh37 (hg19) VCF-style: chrX-24735731-A-G.
Other names: c.943A>G, p.Ile315Val (NM_001378303.1); c.925A>G, p.Ile309Val (NM_016937.4); c.925A>G (NM_016937.3); short protein forms I309V, I315V.
Identifiers: ClinVar variation 3618984 (VCV003618984.3).
Genomic context (GRCh38, chrX:24,717,614, plus strand): 5'-GGTTTTTGAAAATGTGATTTCTGCAGAGGAAGTTTTCTCCCGGATGTCTCTTGTTGGGAC[A>G]TTGATCAAGAAGGTGATAGCAGTTTCTCAGTGCAAGAAGTTCAAGTGGATTCCAGTCACC-3'
Protein context (NP_001317289.1, residues 305-325): SFLPDVSCWD[Ile315Val]DQEGDSSFSV